The following is an entry in ClinVar:

NM_001267550.2(TTN):c.103439C>T (p.Thr34480Ile)

Genes: TTN-AS1 (TTN antisense RNA 1; plus strand), TTN (titin; minus strand). Cytogenetic location: 2q31.2.
Variant type: single nucleotide variant.
Coding change: c.103439C>T on transcript NM_001267550.2 (MANE Select); coding-DNA position 103439, C replaced by T.
Protein change: p.Thr34480Ile; replaces threonine 34480 with isoleucine.
Molecular consequence: missense variant.
Genome position (GRCh38, 1-based): chr2:178,533,176, G>A on the plus strand (C>T on the coding strand, the complement: TTN is on the minus strand). VCF-style: chr2-178533176-G-A. GRCh37 (hg19) VCF-style: chr2-179397903-G-A.
Other names: c.98516C>T, p.Thr32839Ile (NM_001256850.1); c.76244C>T, p.Thr25415Ile (NM_003319.4); c.95735C>T, p.Thr31912Ile (NM_133378.4); c.76619C>T, p.Thr25540Ile (NM_133432.3); c.76820C>T, p.Thr25607Ile (NM_133437.4); short protein forms T31912I, T32839I, T25607I, T34480I, T25415I, T25540I.
Identifiers: ClinVar variation 2935617 (VCV002935617.3), dbSNP rs1287841473, ClinGen allele CA349414267.
Genomic context (GRCh38, chr2:178,533,176, plus strand): 5'-TTAGCTACCTGTGTCAGTGGTACACTTTCAGTTCCAGAAAGAATTTCAGCCATTCTGAGG[G>A]TTTTGTCAATTTGTTTTTGTACGTGTCGCTCATGCTCCTCCTTACTCTTGAATTCCTGTT-3'
Protein context (NP_001254479.2, residues 34470-34490): ERHVQKQIDK[Thr34480Ile]LRMAEILSGT

ClinVar aggregate classification (germline): Uncertain significance (1 of 4 stars; one submission).

Conditions:
Dilated cardiomyopathy 1G (CMD1G). Identifiers: Orphanet 154, MedGen C1858763, MONDO:0011400, OMIM 604145.
Autosomal recessive limb-girdle muscular dystrophy type 2J (LGMDR10). Also called: Limb-girdle muscular dystrophy, type 2J; MUSCULAR DYSTROPHY, LIMB-GIRDLE, AUTOSOMAL RECESSIVE 10. Identifiers: Orphanet 140922, MedGen C1837342, MONDO:0012127, OMIM 608807.

gnomAD v4.1: 1 of 1,613,944 alleles (0.000062%); highest among the groups gnomAD compares: Non-Finnish European, 0.000085%; no homozygotes.

Submission:

Labcorp Genetics (formerly Invitae), Labcorp
Classification: Uncertain significance for Dilated cardiomyopathy 1G; Autosomal recessive limb-girdle muscular dystrophy type 2J. Last evaluated: 2024-02-05. Review status: criteria provided, single submitter. Criteria: Invitae Variant Classification Sherloc (09022015). Collection method: clinical testing. Allele origin: germline.
Comment: This sequence change replaces threonine, which is neutral and polar, with isoleucine, which is neutral and non-polar, at codon 34480 of the TTN protein (p.Thr34480Ile). This variant is not present in population databases (gnomAD no frequency). This variant has not been reported in the literature in individuals affected with TTN-related conditions. Experimental studies and prediction algorithms are not available or were not evaluated, and the functional significance of this variant is currently unknown. This variant is located in the M band of TTN (PMID: 25589632). Non-truncating variants in this region may be relevant for neuromuscular disorders, but have not been definitively shown to cause cardiomyopathy (PMID: 23975875). In summary, the available evidence is currently insufficient to determine the role of this variant in disease. Therefore, it has been classified as a Variant of Uncertain Significance.

Literature cited by the submitters: PubMed 25589632; PubMed 23975875.